The following is an entry in ClinVar:

ClinVar aggregate classification (germline): Likely benign (1 of 4 stars; one submission).

Allele frequency attached by ClinVar (database versions not stated): ESP Exome Variant Server 0.00008; gnomAD 0.00012; TOPMed 0.00015; 1000 Genomes Project 0.00020; 1000 Genomes Project 30x 0.00031.
gnomAD v4.1: 267 of 1,609,538 alleles (0.017%); highest among the groups gnomAD compares: Admixed American, 0.028%; no homozygotes.

Submission:

CeGaT Center for Human Genetics Tuebingen
Classification: Likely benign. Last evaluated: 2024-03-01. Review status: criteria provided, single submitter. Criteria: CeGaT Center For Human Genetics Tuebingen Variant Classification Criteria Version 2. Collection method: clinical testing. Allele origin: germline. Affected: yes. Observed: 1 variant allele.
Comment: POLR2B: BP4

NM_000938.3(POLR2B):c.1677A>C (p.Ala559=)

Gene: POLR2B (RNA polymerase II subunit B; plus strand). Cytogenetic location: 4q12.
Variant type: single nucleotide variant.
Coding change: c.1677A>C on transcript NM_000938.3 (MANE Select); coding-DNA position 1677, A replaced by C.
Protein change: p.Ala559=; no amino-acid change (alanine 559 retained).
Molecular consequence: synonymous variant.
Genome position (GRCh38, 1-based): chr4:57,010,876, A>C. VCF-style: chr4-57010876-A-C. GRCh37 (hg19) VCF-style: chr4-57877042-A-C.
Other names: c.1452A>C, p.Ala484= (NM_001303268.2); c.1656A>C, p.Ala552= (NM_001303269.2).
Identifiers: ClinVar variation 2654777 (VCV002654777.24), dbSNP rs371810125, ClinGen allele CA2933556.
Genomic context (GRCh38, chr4:57,010,876, plus strand): 5'-TCCAATTCTGGAATTTTTAGAAGAATGGAGTATGGAAAATTTAGAAGAAATTTCTCCTGC[A>C]GCTATTGCTGAGTGTGTATAGATGGAATTAGTTTTTTAAACTATAGTTAATCTTTAGTTG-3'
Protein context (NP_000929.1, residues 549-569): SMENLEEISP[Ala559=]AIADATKIFV